The following is an entry in ClinVar:

ClinVar aggregate classification (germline): Benign/Likely benign. Review status: criteria provided, multiple submitters, no conflicts (2 of 4 stars). 3 submissions from 3 submitters: Benign (1); Likely benign (2). Last evaluated 2024-11-30.

Conditions:
Familial cancer of breast. Also called: BREAST CANCER, FAMILIAL; Hereditary breast cancer; hereditary breast carcinoma. Identifiers: Orphanet 227535, MedGen C0346153, MONDO:0016419, OMIM 114480. Disease mechanism: loss of function.
Hereditary cancer-predisposing syndrome. Also called: Hereditary Cancer Syndrome; Neoplastic Syndromes, Hereditary; Tumor predisposition; Hereditary neoplastic syndrome. Identifiers: Orphanet 140162, MedGen C0027672, MeSH D009386, MONDO:0015356.
Fanconi anemia complementation group J. Also called: BRIP1-Related Fanconi Anemia. Identifiers: Orphanet 84, MedGen C1836860, MONDO:0012187, OMIM 609054.

Submissions (3):

Labcorp Genetics (formerly Invitae), Labcorp
Classification: Likely benign for Familial cancer of breast; Fanconi anemia complementation group J. Last evaluated: 2024-11-30. Review status: criteria provided, single submitter. Criteria: Invitae Variant Classification Sherloc (09022015). Collection method: clinical testing. Allele origin: germline.

Myriad Genetics, Inc.
Classification: Benign for Familial cancer of breast. Last evaluated: 2024-08-22. Review status: criteria provided, single submitter. Criteria: Myriad Autosomal Dominant, Autosomal Recessive and X-Linked Classification Criteria (2023). Collection method: clinical testing. Allele origin: unknown.
Comment: This variant is considered benign. This variant is a silent/synonymous amino acid change and it is not expected to impact splicing.

Ambry Genetics
Classification: Likely benign for Hereditary cancer-predisposing syndrome. Last evaluated: 2014-07-25. Review status: criteria provided, single submitter. Criteria: Ambry Variant Classification Scheme 2023. Collection method: clinical testing. Allele origin: germline.

NM_032043.3(BRIP1):c.921A>G (p.Gly307=)

Gene: BRIP1 (BRCA1 interacting DNA helicase 1; minus strand). Cytogenetic location: 17q23.2.
Variant type: single nucleotide variant.
Coding change: c.921A>G on transcript NM_032043.3 (MANE Select); coding-DNA position 921, A replaced by G.
Protein change: p.Gly307=; no amino-acid change (glycine 307 retained).
Molecular consequence: synonymous variant.
Genome position (GRCh38, 1-based): chr17:61,801,472, T>C on the plus strand (A>G on the coding strand, the complement: BRIP1 is on the minus strand). VCF-style: chr17-61801472-T-C. GRCh37 (hg19) VCF-style: chr17-59878833-T-C.
Identifiers: ClinVar variation 185643 (VCV000185643.15), dbSNP rs786202337, ClinGen allele CA192510.